The following is an entry in ClinVar:

NM_001098.3(ACO2):c.1954-285T>A

Genes: ACO2 (aconitase 2; plus strand), POLR3H (RNA polymerase III subunit H; minus strand). Cytogenetic location: 22q13.2.
Variant type: single nucleotide variant.
Coding change: c.1954-285T>A on transcript NM_001098.3 (MANE Select); 285 bases into the intron before coding-DNA position 1954, T replaced by A.
Molecular consequence: intron variant. On other transcripts: 3 prime UTR variant (5).
Genome position (GRCh38, 1-based): chr22:41,527,003, T>A. VCF-style: chr22-41527003-T-A. GRCh37 (hg19) VCF-style: chr22-41923007-T-A.
Other names: c.*2280A>T (NM_001018050.4, NM_001018052.4, NM_001282884.2 and 2 more transcripts).
Identifiers: ClinVar variation 673391 (VCV000673391.3), dbSNP rs547070828, ClinGen allele CA324582988.

ClinVar aggregate classification (germline): Likely benign. Review status: criteria provided, multiple submitters, no conflicts (2 of 4 stars). 2 submissions from 2 submitters: Likely benign (2). Last evaluated 2018-06-16.

Allele frequency attached by ClinVar (database versions not stated): 1000 Genomes Project 0.00100; 1000 Genomes Project 30x 0.00141; TOPMed 0.00370; gnomAD 0.00456 and 0.00466; gnomAD exomes 0.00558.
gnomAD v4.1: 2,638 of 504,330 alleles (0.52%); highest among the groups gnomAD compares: Non-Finnish European, 0.73%; 21 homozygotes.

Submissions (2):

GeneDx
Classification: Likely benign. Last evaluated: 2018-06-16. Review status: criteria provided, single submitter. Criteria: GeneDx Variant Classification (06012015). Collection method: clinical testing. Allele origin: germline. Affected: yes.
Comment: This variant is considered likely benign or benign based on one or more of the following criteria: it is a conservative change, it occurs at a poorly conserved position in the protein, it is predicted to be benign by multiple in silico algorithms, and/or has population frequency not consistent with disease.

Breakthrough Genomics
Classification: Likely benign. Review status: criteria provided, single submitter. Criteria: ACMG Guidelines, 2015. Collection method: not provided. Allele origin: germline. Inheritance: Autosomal recessive inheritance. Affected: yes.